The following is an entry in ClinVar:

ClinVar aggregate classification (germline): Conflicting classifications of pathogenicity. Review status: criteria provided, conflicting classifications (1 of 4 stars). 2 submissions from 2 submitters: Uncertain significance (1); Likely benign (1). Last evaluated 2025-12-24.

Conditions:
Focal segmental glomerulosclerosis 5 (FSGS5). Identifiers: Orphanet 656, MedGen C2750475, MONDO:0013191, OMIM 613237.
Charcot-Marie-Tooth disease dominant intermediate E. Also called: CHARCOT-MARIE-TOOTH NEUROPATHY WITH FOCAL SEGMENTAL GLOMERULONEPHRITIS. Identifiers: Orphanet 93114, MedGen C4302667, MONDO:0013758, OMIM 614455.
INF2-related disorder. Also called: INF2-related condition.

gnomAD v4.1: 7 of 1,550,336 alleles (0.00045%); highest among the groups gnomAD compares: Admixed American, 0.002%; no homozygotes.

Submissions (2):

PreventionGenetics, part of Exact Sciences
Classification: Uncertain significance for INF2-related condition. Last evaluated: 2025-12-24. Review status: criteria provided, single submitter. Criteria: ACMG Guidelines, 2015. Collection method: clinical testing. Allele origin: germline.
Comment: The INF2 c.2851C>T variant is predicted to result in the amino acid substitution p.Arg951Trp. This variant was reported in an individual with proteinuria (Supp. Table 5, Bekheirnia et al. 2021. PubMed ID: 35368817). This variant is reported in 0.0040% of alleles in individuals of Latino descent in gnomAD. At this time, the clinical significance of this variant is uncertain due to the absence of conclusive functional and genetic evidence.

Labcorp Genetics (formerly Invitae), Labcorp
Classification: Likely benign for Charcot-Marie-Tooth disease dominant intermediate E; Focal segmental glomerulosclerosis 5. Last evaluated: 2023-03-22. Review status: criteria provided, single submitter. Criteria: Invitae Variant Classification Sherloc (09022015). Collection method: clinical testing. Allele origin: germline.

NM_022489.4(INF2):c.2851C>T (p.Arg951Trp)

Gene: INF2 (inverted formin 2; plus strand). Cytogenetic location: 14q32.33.
Variant type: single nucleotide variant.
Coding change: c.2851C>T on transcript NM_022489.4 (MANE Select); coding-DNA position 2851, C replaced by T.
Protein change: p.Arg951Trp; replaces arginine 951 with tryptophan.
Molecular consequence: missense variant.
Genome position (GRCh38, 1-based): chr14:104,713,282, C>T. VCF-style: chr14-104713282-C-T. GRCh37 (hg19) VCF-style: chr14-105179619-C-T.
Other names: c.2851C>T, p.Arg951Trp (NM_001031714.4, NM_001426862.1, NM_001426863.1 and 2 more transcripts); c.2851C>T (NM_022489.3); short protein forms R951W.
Identifiers: ClinVar variation 2922454 (VCV002922454.4), dbSNP rs1404467783, ClinGen allele CA391222777.